The following is an entry in ClinVar:

NM_053274.3(GLMN):c.1318T>C (p.Trp440Arg)

Gene: GLMN (glomulin, FKBP associated protein; minus strand). Cytogenetic location: 1p22.1.
Variant type: single nucleotide variant.
Coding change: c.1318T>C on transcript NM_053274.3 (MANE Select); coding-DNA position 1318, T replaced by C.
Protein change: p.Trp440Arg; replaces tryptophan 440 with arginine.
Molecular consequence: missense variant. On other transcripts: non-coding transcript variant (1).
Genome position (GRCh38, 1-based): chr1:92,263,714, A>G on the plus strand (T>C on the coding strand, the complement: GLMN is on the minus strand). VCF-style: chr1-92263714-A-G. GRCh37 (hg19) VCF-style: chr1-92729271-A-G.
Other names: c.1276T>C, p.Trp426Arg (NM_001319683.2); short protein forms W426R, W440R.
Identifiers: ClinVar variation 876496 (VCV000876496.6), dbSNP rs755342217, ClinGen allele CA950279.
Genomic context (GRCh38, chr1:92,263,714, plus strand): 5'-CACCCTCTGGGAGAAAAAGTACCAAATCAAGAAGGGAAATCAACTGTGGTCCTGTAAACC[A>G]TTTGTTGTTACGTGTTCTCTGAAAAGCAAACGAAAAATTGAGAAAGCTTTATAATTCATG-3'
Protein context (NP_444504.1, residues 430-450): MSLKRTRNNK[Trp440Arg]FTGPQLISLL

ClinVar aggregate classification (germline): Conflicting classifications of pathogenicity. Review status: criteria provided, conflicting classifications (1 of 4 stars). 2 submissions from 2 submitters: Uncertain significance (1); Likely benign (1). Last evaluated 2021-06-11.

Conditions:
Inborn genetic diseases. Identifiers: MedGen C0950123, MeSH D030342.
Glomuvenous malformation. Also called: GLOMANGIOMAS, MULTIPLE; GLOMUS TUMORS, MULTIPLE; VENOUS MALFORMATIONS WITH GLOMUS CELLS; Familial glomangioma. Identifiers: Orphanet 83454, MedGen C1841984, MONDO:0007672, OMIM 138000.

Allele frequency attached by ClinVar (database versions not stated): gnomAD exomes 0.00001 and 0.00003; ExAC 0.00002; gnomAD 0.00002; TOPMed 0.00003.
gnomAD v4.1: 50 of 1,578,432 alleles (0.0032%); highest among the groups gnomAD compares: Non-Finnish European, 0.0043%; no homozygotes.

Submissions (2):

Ambry Genetics
Classification: Uncertain significance for Inborn genetic diseases. Last evaluated: 2021-06-11. Review status: criteria provided, single submitter. Criteria: Ambry Variant Classification Scheme 2023. Collection method: clinical testing. Allele origin: germline.

Illumina Laboratory Services, Illumina
Classification: Likely benign for Glomuvenous malformation. Last evaluated: 2018-01-12. Review status: criteria provided, single submitter. Criteria: ICSL Variant Classification Criteria 13 December 2019. Collection method: clinical testing. Allele origin: germline.
Comment: This variant was observed in the ICSL laboratory as part of a predisposition screen in an ostensibly healthy population. It had not been previously curated by ICSL or reported in the Human Gene Mutation Database (HGMD: prior to June 1st, 2018), and was therefore a candidate for classification through an automated scoring system. Utilizing variant allele frequency, disease prevalence and penetrance estimates, and inheritance mode, an automated score was calculated to assess if this variant is too frequent to cause the disease. Based on the score and internal cut-off values, a variant classified as likely benign is not then subjected to further curation. The score for this variant resulted in a classification of likely benign for this disease.